The following is an entry in ClinVar:

NM_152416.4(NDUFAF6):c.225C>T (p.Cys75=)

Gene: NDUFAF6 (NADH:ubiquinone oxidoreductase complex assembly factor 6; plus strand). Cytogenetic location: 8q22.1.
Variant type: single nucleotide variant.
Coding change: c.225C>T on transcript NM_152416.4 (MANE Select); coding-DNA position 225, C replaced by T.
Protein change: p.Cys75=; no amino-acid change (cysteine 75 retained).
Molecular consequence: synonymous variant. On other transcripts: 5 prime UTR variant (17), non-coding transcript variant (6), intron variant (1).
Genome position (GRCh38, 1-based): chr8:95,032,022, C>T. VCF-style: chr8-95032022-C-T. GRCh37 (hg19) VCF-style: chr8-96044250-C-T.
Other names: p.C75C:TGC>TGT; c.-56C>T (NM_001330582.2, NM_001354514.2, NM_001354515.2 and 1 more transcripts); c.69C>T, p.Cys23= (NM_001354516.2); c.-228C>T (NM_001354518.2); c.-224C>T (NM_001354519.2); c.-356C>T (NM_001354522.2, NM_001354529.2); c.-429C>T (NM_001354524.2, NM_001354525.2); c.-573C>T (NM_001354527.2); and 7 more.
Identifiers: ClinVar variation 136609 (VCV000136609.14), dbSNP rs34160178, ClinGen allele CA289785.
Genomic context (GRCh38, chr8:95,032,022, plus strand): 5'-AGAGTAACTGTCTTTTTTTTCTGTCTGTTACAGGAAACGGGATTATGAAGGTTATTTATG[C>T]TCCCTGCTGCTCCCTGCAGAATCCCGAAGCTCTGTTTTTGCACTGAGGGCCTTTAATGTG-3'
Protein context (NP_689629.2, residues 65-85): LRKRDYEGYL[Cys75=]SLLLPAESRS

ClinVar aggregate classification (germline): Benign/Likely benign. Review status: criteria provided, multiple submitters, no conflicts (2 of 4 stars). 4 submissions from 4 submitters: Benign (3); Likely benign (1). Last evaluated 2026-01-19.

Allele frequency attached by ClinVar (database versions not stated): gnomAD exomes 0.00049 and 0.00126; ExAC 0.00155; gnomAD 0.00497 and 0.00525; TOPMed 0.00589; ESP Exome Variant Server 0.00623; 1000 Genomes Project 0.00719; 1000 Genomes Project 30x 0.00734.
gnomAD v4.1: 1,508 of 1,614,022 alleles (0.093%); highest among the groups gnomAD compares: African/African-American, 1.7%; 11 homozygotes.

Submissions (4):

Labcorp Genetics (formerly Invitae), Labcorp
Classification: Benign. Last evaluated: 2026-01-19. Review status: criteria provided, single submitter. Criteria: Invitae Variant Classification Sherloc (09022015). Collection method: clinical testing. Allele origin: germline.

Blueprint Genetics
Classification: Likely benign. Last evaluated: 2024-11-11. Review status: criteria provided, single submitter. Criteria: ACMG Guidelines, 2015. Collection method: clinical testing. Allele origin: germline.

GeneDx
Classification: Benign. Last evaluated: 2012-11-28. Review status: criteria provided, single submitter. Criteria: GeneDx Variant Classification (06012015). Collection method: clinical testing. Allele origin: germline. Affected: yes.
Comment: This variant is considered likely benign or benign based on one or more of the following criteria: it is a conservative change, it occurs at a poorly conserved position in the protein, it is predicted to be benign by multiple in silico algorithms, and/or has population frequency not consistent with disease.

Breakthrough Genomics
Classification: Benign. Review status: criteria provided, single submitter. Criteria: ACMG Guidelines, 2015. Collection method: not provided. Allele origin: germline. Inheritance: Autosomal recessive inheritance. Affected: yes.